The following is an entry in ClinVar:

NM_000313.4(PROS1):c.284G>A (p.Gly95Glu)

Gene: PROS1 (protein S; minus strand). Cytogenetic location: 3q11.1.
Variant type: single nucleotide variant.
Coding change: c.284G>A on transcript NM_000313.4 (MANE Select); coding-DNA position 284, G replaced by A.
Protein change: p.Gly95Glu; replaces glycine 95 with glutamic acid.
Molecular consequence: missense variant.
Genome position (GRCh38, 1-based): chr3:93,910,681, C>T on the plus strand (G>A on the coding strand, the complement: PROS1 is on the minus strand). VCF-style: chr3-93910681-C-T. GRCh37 (hg19) VCF-style: chr3-93629525-C-T.
Other names: c.380G>A, p.Gly127Glu (NM_001314077.2); short protein forms G95E, G127E.
Identifiers: ClinVar variation 161354 (VCV000161354.60), dbSNP rs144526169, ClinGen allele CA211753.

ClinVar aggregate classification (germline): Conflicting classifications of pathogenicity. Review status: criteria provided, conflicting classifications (1 of 4 stars). 10 submissions from 10 submitters: Likely pathogenic (2); Uncertain significance (4). 4 of the submissions do not count toward it. Last evaluated 2026-01-09.

Conditions:
PROS1-related disorder. Also called: PROS1-related condition.
Thrombophilia due to protein S deficiency, autosomal dominant (THPH5). Identifiers: Orphanet 26349, Orphanet 743, MedGen C3278211, MONDO:0012868, OMIM 612336. Disease mechanism: loss of function.
Thrombophilia due to protein S deficiency, autosomal recessive (THPH6). Identifiers: Orphanet 743, MedGen C3281092, MONDO:0013791, OMIM 614514. Disease mechanism: loss of function.
Protein S deficiency disease. Also called: Protein S deficiency. Identifiers: MedGen C0242666, MeSH D018455, MONDO:0002304.
Thrombocytopenia. Identifiers: MedGen C0040034, MeSH D013921, MONDO:0002049, HP:0001873.
Abnormal bleeding. Also called: Bleeding diathesis. Identifiers: MedGen C1458140, HP:0001892.

Allele frequency attached by ClinVar (database versions not stated): 1000 Genomes Project 30x 0.00016; 1000 Genomes Project 0.00020; ESP Exome Variant Server 0.00031; ExAC 0.00034; gnomAD exomes 0.00034; gnomAD 0.00038 and 0.00040; TOPMed 0.00047.
gnomAD v4.1: 920 of 1,613,280 alleles (0.057%); highest among the groups gnomAD compares: Non-Finnish European, 0.073%; 1 homozygote.

Submissions (10):

Institute of Human Genetics, University of Leipzig Medical Center
Classification: Likely pathogenic for Thrombophilia due to protein S deficiency, autosomal dominant. Last evaluated: 2026-01-09. Review status: criteria provided, single submitter. Criteria: ACMG Guidelines, 2015. Collection method: clinical testing. Allele origin: unknown. Inheritance: Autosomal dominant inheritance. Affected: yes.
Comment: Criteria applied: PS4_MOD,PM5,PP3,PP4

PreventionGenetics, part of Exact Sciences
Classification: Uncertain significance for PROS1-related condition. Last evaluated: 2025-11-19. Review status: criteria provided, single submitter. Criteria: ACMG Guidelines, 2015. Collection method: clinical testing. Allele origin: germline.
Comment: The PROS1 c.284G>A variant is predicted to result in the amino acid substitution p.Gly95Glu. This variant is alternatively referred to as p.Gly54Glu using Legacy nomenclature and as rs144526169. This variant has been reported in multiple individuals with Protein S deficiency, and was also described in a cohort of individuals with bleeding, thrombotic, and platelet disorders (Simmonds et al. 1996. PubMed ID: 8943854, Table 1, Sample ID PS-762; Alhenc-Gelas et al. 2010. PubMed ID: 20880255, Table 1; Manderstedt et al. 2022. PubMed ID: 35112923, see rs144526169; Downes et al. 2019. PubMed ID: 31064749, Supplemental Data 3). It has also been reported as a variant of uncertain significance in an exome study (Amendola et al. 2015. PubMed ID: 25637381, Table S1). This variant is reported in 0.061% of alleles in individuals of European (Non-Finnish) descent in gnomAD. At this time, the clinical significance of this variant is uncertain due to the absence of conclusive functional and genetic evidence.

Labcorp Genetics (formerly Invitae), Labcorp
Classification: Uncertain significance for Thrombophilia due to protein S deficiency, autosomal recessive. Last evaluated: 2025-01-24. Review status: criteria provided, single submitter. Criteria: Invitae Variant Classification Sherloc (09022015). Collection method: clinical testing. Allele origin: germline.
Comment: This sequence change replaces glycine, which is neutral and non-polar, with glutamic acid, which is acidic and polar, at codon 95 of the PROS1 protein (p.Gly95Glu). This variant is present in population databases (rs144526169, gnomAD 0.06%). This missense change has been observed in individual(s) with protein S deficiency (PMID: 8943854, 20880255). This variant is also known as 430G>A and Gly54Glu. ClinVar contains an entry for this variant (Variation ID: 161354). Invitae Evidence Modeling of protein sequence and biophysical properties (such as structural, functional, and spatial information, amino acid conservation, physicochemical variation, residue mobility, and thermodynamic stability) has been performed for this missense variant. However, the output from this modeling did not meet the statistical confidence thresholds required to predict the impact of this variant on PROS1 protein function. In summary, the available evidence is currently insufficient to determine the role of this variant in disease. Therefore, it has been classified as a Variant of Uncertain Significance.

Mayo Clinic Laboratories, Mayo Clinic
Classification: Uncertain significance. Last evaluated: 2024-01-23. Review status: criteria provided, single submitter. Criteria: ACMG Guidelines, 2015. Collection method: clinical testing. Allele origin: germline. Observed: 2 variant alleles.
Comment: PM1, PM2_moderate

NIHR Bioresource Rare Diseases, University of Cambridge
Classification: Likely pathogenic for Reduced protein S activity. Last evaluated: 2019-02-01. Review status: criteria provided, single submitter. Criteria: ACMG Guidelines, 2015. Collection method: research. Allele origin: unknown. Affected: yes. Observed: 1 compound heterozygote. Study: ThromboGenomics.

CeGaT Center for Human Genetics Tuebingen
Classification: Uncertain significance. Last evaluated: 2016-12-01. Review status: criteria provided, single submitter. Criteria: CeGaT Center For Human Genetics Tuebingen Variant Classification Criteria Version 2. Collection method: clinical testing. Allele origin: germline. Affected: yes. Observed: 1 variant allele.

Department of Transfusion Medicine and Hemostaseology, University Hospital Erlangen
Classification: Likely pathogenic for Thrombophilia due to protein S deficiency, autosomal dominant. Last evaluated: 2025-09-01. Review status: no assertion criteria provided. Collection method: clinical testing. Allele origin: germline. Not counted in ClinVar's aggregate classification.
Comment: This variant was identified during a screening of patients with suspected hereditary Protein S deficiency. It has been described in the literature as correlating with protein S deficiency (PMID: 8943854, 20880255), but has not been characterized in vitro. According to dbSNP it represents a very rare genetic alteration, previously detected in the European population in heterozygous state only according to the Allele Frequency Aggregator dataset. While SIFT and AlphaMissense classify this variant as likely benign, it is classified as of uncertain significance by PolyPhen-2. Taken together, we classified this variant as likely pathogenic.

Birmingham Platelet Group; University of Birmingham
Classification: Likely pathogenic for Thrombocytopenia; Abnormal bleeding. Last evaluated: 2020-05-01. Review status: no assertion criteria provided. Collection method: research. Allele origin: germline. Affected: yes. Not counted in ClinVar's aggregate classification.

CSER _CC_NCGL, University of Washington
Classification: Uncertain significance for Protein S deficiency. Last evaluated: 2014-06-01. Review status: no assertion criteria provided. Collection method: research. Allele origin: germline. Inheritance: Autosomal dominant inheritance. Study: ESP 6500 variant annotation. Not counted in ClinVar's aggregate classification.
Comment: Variants classified for the Actionable exomic incidental findings in 6503 participants: challenges of variant classification manuscript

ISTH-SSC Genomics in Thrombosis and Hemostasis, KU Leuven, Center for Molecular and Vascular Biology
Classification: Uncertain significance for Protein S deficiency disease. Review status: no assertion criteria provided. Collection method: clinical testing. Allele origin: unknown. Affected: yes. Not counted in ClinVar's aggregate classification.
Comment: Submitted to GoldVariant by Prof Kathleen Freson from Center for Molecular and Vascular Biology, Leuven, Belgium

Literature cited by the submitters: PubMed 8943854 (cited by 3 submitters); PubMed 20880255 (cited by 3 submitters); PubMed 37647632 (cited by Mayo Clinic Laboratories, Mayo Clinic); PubMed 31064749 (cited by NIHR Bioresource Rare Diseases, University of Cambridge).